The following is an entry in ClinVar:

NM_000064.4(C3):c.1392G>C (p.Glu464Asp)

Gene: C3 (complement C3; minus strand). Cytogenetic location: 19p13.3.
Variant type: single nucleotide variant.
Coding change: c.1392G>C on transcript NM_000064.4 (MANE Select); coding-DNA position 1392, G replaced by C.
Protein change: p.Glu464Asp; replaces glutamic acid 464 with aspartic acid.
Molecular consequence: missense variant.
Genome position (GRCh38, 1-based): chr19:6,711,074, C>G on the plus strand (G>C on the coding strand, the complement: C3 is on the minus strand). VCF-style: chr19-6711074-C-G. GRCh37 (hg19) VCF-style: chr19-6711085-C-G.
Other names: short protein forms E464D.
Identifiers: ClinVar variation 2308733 (VCV002308733.3), dbSNP rs368995123, ClinGen allele CA9129472.

ClinVar aggregate classification (germline): Uncertain significance. Review status: criteria provided, multiple submitters, no conflicts (2 of 4 stars). 2 submissions from 2 submitters: Uncertain significance (2). Last evaluated 2025-04-22.

Conditions:
Inborn genetic diseases. Identifiers: MedGen C0950123, MeSH D030342.

Allele frequency attached by ClinVar (database versions not stated): gnomAD 0.00003; TOPMed 0.00006; ESP Exome Variant Server 0.00008.
gnomAD v4.1: 5 of 1,614,034 alleles (0.00031%); highest among the groups gnomAD compares: African/African-American, 0.0067%; no homozygotes.

Submissions (2):

Labcorp Genetics (formerly Invitae), Labcorp
Classification: Uncertain significance. Last evaluated: 2025-04-22. Review status: criteria provided, single submitter. Criteria: Invitae Variant Classification Sherloc (09022015). Collection method: clinical testing. Allele origin: germline.
Comment: This sequence change replaces glutamic acid, which is acidic and polar, with aspartic acid, which is acidic and polar, at codon 464 of the C3 protein (p.Glu464Asp). This variant is present in population databases (rs368995123, gnomAD 0.03%). This variant has not been reported in the literature in individuals affected with C3-related conditions. ClinVar contains an entry for this variant (Variation ID: 2308733). Invitae Evidence Modeling of protein sequence and biophysical properties (such as structural, functional, and spatial information, amino acid conservation, physicochemical variation, residue mobility, and thermodynamic stability) indicates that this missense variant is not expected to disrupt C3 protein function with a negative predictive value of 80%. In summary, the available evidence is currently insufficient to determine the role of this variant in disease. Therefore, it has been classified as a Variant of Uncertain Significance.

Ambry Genetics
Classification: Uncertain significance for Inborn genetic diseases. Last evaluated: 2022-08-22. Review status: criteria provided, single submitter. Criteria: Ambry Variant Classification Scheme 2023. Collection method: clinical testing. Allele origin: germline.